The following is an entry in ClinVar:

NM_020297.4(ABCC9):c.407-5T>C

Gene: ABCC9 (ATP binding cassette subfamily C member 9; minus strand). Cytogenetic location: 12p12.1.
Variant type: single nucleotide variant.
Coding change: c.407-5T>C on transcript NM_020297.4 (MANE Select); 5 bases into the intron before coding-DNA position 407, T replaced by C.
Molecular consequence: intron variant.
Genome position (GRCh38, 1-based): chr12:21,917,108, A>G on the plus strand (T>C on the coding strand, the complement: ABCC9 is on the minus strand). VCF-style: chr12-21917108-A-G. GRCh37 (hg19) VCF-style: chr12-22070042-A-G.
Other names: c.-48-4042T>C (NM_001377274.1); c.407-5T>C (NM_005691.4, NM_001377273.1).
Identifiers: ClinVar variation 1463035 (VCV001463035.9), dbSNP rs1948628627, ClinGen allele CA2021333320.

ClinVar aggregate classification (germline): Conflicting classifications of pathogenicity. Review status: criteria provided, conflicting classifications (1 of 4 stars). 2 submissions from 2 submitters: Uncertain significance (1); Likely benign (1). Last evaluated 2023-03-28.

Conditions:
Dilated cardiomyopathy 1O (CMD1O). Also called: CARDIOMYOPATHY, DILATED, WITH VENTRICULAR TACHYCARDIA. Identifiers: Orphanet 154, MedGen C1837839, MONDO:0012062, OMIM 608569.
Cardiovascular phenotype. Identifiers: MedGen CN230736.

Submissions (2):

Ambry Genetics
Classification: Uncertain significance for Cardiovascular phenotype. Last evaluated: 2023-03-28. Review status: criteria provided, single submitter. Criteria: Ambry Variant Classification Scheme 2023. Collection method: clinical testing. Allele origin: germline.
Comment: The c.407-5T>C intronic variant results from a T to C substitution 5 nucleotides upstream from coding exon 4 in the ABCC9 gene. This nucleotide position is well conserved in available vertebrate species. In silico splice site analysis predicts that this alteration will not have any significant effect on splicing. Since supporting evidence is limited at this time, the clinical significance of this alteration remains unclear.

Labcorp Genetics (formerly Invitae), Labcorp
Classification: Likely benign for Dilated cardiomyopathy 1O. Last evaluated: 2022-09-01. Review status: criteria provided, single submitter. Criteria: Invitae Variant Classification Sherloc (09022015). Collection method: clinical testing. Allele origin: germline.